The following is an entry in ClinVar:

ClinVar aggregate classification (germline): Uncertain significance (1 of 4 stars; one submission).

Submission:

Greenwood Genetic Center Diagnostic Laboratories, Greenwood Genetic Center
Classification: Uncertain significance. Last evaluated: 2022-07-18. Review status: criteria provided, single submitter. Criteria: ACMG Guidelines, 2015. Collection method: clinical testing. Allele origin: germline. Affected: yes.
Comment: PM2, PP2, PP3

NM_001330288.2(SMARCC2):c.2087C>G (p.Pro696Arg)

Gene: SMARCC2 (SWI/SNF related BAF chromatin remodeling complex subunit C2; minus strand). Cytogenetic location: 12q13.2.
Variant type: single nucleotide variant.
Coding change: c.2087C>G on transcript NM_001330288.2 (MANE Select); coding-DNA position 2087, C replaced by G.
Protein change: p.Pro696Arg; replaces proline 696 with arginine.
Molecular consequence: missense variant.
Genome position (GRCh38, 1-based): chr12:56,171,777, G>C on the plus strand (C>G on the coding strand, the complement: SMARCC2 is on the minus strand). VCF-style: chr12-56171777-G-C. GRCh37 (hg19) VCF-style: chr12-56565561-G-C.
Other names: c.2087C>G, p.Pro696Arg (NM_001130420.3, NM_139067.4); c.1994C>G, p.Pro665Arg (NM_003075.5); short protein forms P665R, P696R.
Identifiers: ClinVar variation 1710436 (VCV001710436.3), dbSNP rs2540882231, ClinGen allele CA385344361.
Genomic context (GRCh38, chr12:56,171,777, plus strand): 5'-TCGACGACAGAGGCCAGGAAGGCAACAGTGCTCATAACAGGGTTGCCCGACTGACTGAAG[G>C]GGATGGGTTGGTAGGCCAGGGGGCCTAGGGAGGCCTCTGAGTCCTCCAGGTATGGGTCTT-3'
Protein context (NP_001317217.1, residues 686-706): SLGPLAYQPI[Pro696Arg]FSQSGNPVMS